The following is an entry in ClinVar:

NM_015386.3(COG4):c.1711-22T>C

Gene: COG4 (component of oligomeric golgi complex 4; minus strand). Cytogenetic location: 16q22.1.
Variant type: single nucleotide variant.
Coding change: c.1711-22T>C on transcript NM_015386.3 (MANE Select); 22 bases into the intron before coding-DNA position 1711, T replaced by C.
Molecular consequence: intron variant.
Genome position (GRCh38, 1-based): chr16:70,483,991, A>G on the plus strand (T>C on the coding strand, the complement: COG4 is on the minus strand). VCF-style: chr16-70483991-A-G. GRCh37 (hg19) VCF-style: chr16-70517894-A-G.
Other names: c.1636-22T>C (NM_001195139.2); c.1285-22T>C (NM_001365426.1).
Identifiers: ClinVar variation 3775247 (VCV003775247.1).

ClinVar aggregate classification (germline): Uncertain significance (1 of 4 stars; one submission).

Conditions:
COG4-congenital disorder of glycosylation. Also called: COG4-CDG; CONGENITAL DISORDER OF GLYCOSYLATION, TYPE IIj; CDG IIj. Identifiers: Orphanet 263501, MedGen C4303552, MONDO:0013281, OMIM 613489.

gnomAD v4.1: 2 of 1,563,226 alleles (0.00013%); highest among the groups gnomAD compares: East Asian, 0.0045%; no homozygotes.

Submission:

3billion
Classification: Uncertain significance for COG4-congenital disorder of glycosylation. Last evaluated: 2023-12-21. Review status: criteria provided, single submitter. Criteria: ACMG Guidelines, 2015. Collection method: clinical testing. Allele origin: germline. Affected: yes.
Comment: The variant is observed at an extremely low frequency in the gnomAD v2.1.1 dataset (total allele frequency: <0.001%). Predicted Consequence/Location: Intron variant In silico tools predict the variant to alter splicing and produce an abnormal transcript [SpliceAI: 0.38 (>=0.2, moderate evidence for spliceogenicity)]. Therefore, this variant is classified as VUS according to the recommendation of ACMG/AMP guideline.